The following is an entry in ClinVar:

ClinVar aggregate classification (germline): Uncertain significance (1 of 4 stars; one submission).

Conditions:
Inborn genetic diseases. Identifiers: MedGen C0950123, MeSH D030342.

Submission:

Ambry Genetics
Classification: Uncertain significance for Hereditary disease. Last evaluated: 2018-01-04. Review status: criteria provided, single submitter. Criteria: ambry_reporting_categories_2017. Collection method: clinical testing. Allele origin: germline. Affected: yes. Observed: 1 heterozygote. Segregation with disease observed.
Comment: Lines of evidence used in support of classification: UNCERTAIN: Alteration(s) of Uncertain Clinical Significance Detected

NM_001267550.2(TTN):c.1675A>T (p.Thr559Ser)

Gene: TTN (titin; minus strand). Cytogenetic location: 2q31.2.
Variant type: single nucleotide variant.
Coding change: c.1675A>T on transcript NM_001267550.2 (MANE Select); coding-DNA position 1675, A replaced by T.
Protein change: p.Thr559Ser; replaces threonine 559 with serine.
Molecular consequence: missense variant. On other transcripts: intron variant (3).
Genome position (GRCh38, 1-based): chr2:178,790,833, T>A on the plus strand (A>T on the coding strand, the complement: TTN is on the minus strand). VCF-style: chr2-178790833-T-A. GRCh37 (hg19) VCF-style: chr2-179655560-T-A.
Other names: c.1675A>T, p.Thr559Ser (NM_133378.4, NM_001256850.1, NM_133379.5); c.1663-718A>T (NM_003319.4, NM_133437.4, NM_133432.3); short protein forms T559S.
Identifiers: ClinVar variation 520990 (VCV000520990.3), dbSNP rs1554029913, ClinGen allele CA349508788.
Genomic context (GRCh38, chr2:178,790,833, plus strand): 5'-TTTCTAGTTTTGTGGACTTTGCAGTGGCAACTACCACCATGGATGCAGCAGTTATCTCAG[T>A]TTCCTGTCTTATCTGATGTTTAGAGTAAAATAAAGATTTGAGTTTCAAAAGATACAAAAG-3'
Protein context (NP_001254479.2, residues 549-569): QVTQEAIRQE[Thr559Ser]EITAASMVVV